The following is an entry in ClinVar:

NM_001130438.3(SPTAN1):c.1286C>T (p.Ala429Val)

Gene: SPTAN1 (spectrin alpha, non-erythrocytic 1; plus strand). Cytogenetic location: 9q34.11.
Variant type: single nucleotide variant.
Coding change: c.1286C>T on transcript NM_001130438.3 (MANE Select); coding-DNA position 1286, C replaced by T.
Protein change: p.Ala429Val; replaces alanine 429 with valine.
Molecular consequence: missense variant.
Genome position (GRCh38, 1-based): chr9:128,579,701, C>T. VCF-style: chr9-128579701-C-T. GRCh37 (hg19) VCF-style: chr9-131341980-C-T.
Other names: c.1286C>T, p.Ala429Val (NM_001195532.2, NM_001363759.2, NM_001363765.2 and 1 more transcripts); short protein forms A429V.
Identifiers: ClinVar variation 383875 (VCV000383875.5), dbSNP rs368876195, ClinGen allele CA5264352.

ClinVar aggregate classification (germline): Conflicting classifications of pathogenicity. Review status: criteria provided, conflicting classifications (1 of 4 stars). 2 submissions from 2 submitters: Uncertain significance (1); Likely benign (1). Last evaluated 2025-01-29.

Conditions:
Early-infantile DEE. Also called: Early infantile epileptic encephalopathy with suppression bursts; Ohtahara syndrome; Early infantile epileptic encephalopathy. Identifiers: Orphanet 1934, MedGen C0393706, MONDO:0800491.

Allele frequency attached by ClinVar (database versions not stated): gnomAD exomes below 0.00001 and 0.00002; ExAC 0.00001; gnomAD 0.00001; TOPMed 0.00003; ESP Exome Variant Server 0.00008.
gnomAD v4.1: 37 of 1,613,984 alleles (0.0023%); highest among the groups gnomAD compares: Non-Finnish European, 0.0029%; no homozygotes.

Submissions (2):

Labcorp Genetics (formerly Invitae), Labcorp
Classification: Uncertain significance for Early-infantile DEE. Last evaluated: 2025-01-29. Review status: criteria provided, single submitter. Criteria: Invitae Variant Classification Sherloc (09022015). Collection method: clinical testing. Allele origin: germline.
Comment: This sequence change replaces alanine, which is neutral and non-polar, with valine, which is neutral and non-polar, at codon 429 of the SPTAN1 protein (p.Ala429Val). This variant is present in population databases (rs368876195, gnomAD 0.0009%). This variant has not been reported in the literature in individuals affected with SPTAN1-related conditions. ClinVar contains an entry for this variant (Variation ID: 383875). Invitae Evidence Modeling of protein sequence and biophysical properties (such as structural, functional, and spatial information, amino acid conservation, physicochemical variation, residue mobility, and thermodynamic stability) has been performed for this missense variant. However, the output from this modeling did not meet the statistical confidence thresholds required to predict the impact of this variant on SPTAN1 protein function. In summary, the available evidence is currently insufficient to determine the role of this variant in disease. Therefore, it has been classified as a Variant of Uncertain Significance.

GeneDx
Classification: Likely benign. Last evaluated: 2016-09-20. Review status: criteria provided, single submitter. Criteria: GeneDx Variant Classification (06012015). Collection method: clinical testing. Allele origin: germline. Affected: yes.
Comment: This variant is considered likely benign or benign based on one or more of the following criteria: it is a conservative change, it occurs at a poorly conserved position in the protein, it is predicted to be benign by multiple in silico algorithms, and/or has population frequency not consistent with disease.